The following is an entry in ClinVar:

ClinVar aggregate classification (germline): Uncertain significance (1 of 4 stars; one submission).

Conditions:
Immunodeficiency 14 (IMD14A). Also called: p110-DELTA-ACTIVATING MUTATION CAUSING SENESCENT T CELLS, LYMPHADENOPATHY, AND IMMUNODEFICIENCY; ACTIVATED PI3K-DELTA SYNDROME 1; Activated PI3K Delta Syndrome Type 1 (APDS1); IMMUNODEFICIENCY 14A WITH LYMPHOPROLIFERATION, AUTOSOMAL DOMINANT. Identifiers: Orphanet 397596, Orphanet 693661, MedGen C5907821, MONDO:0014222, OMIM 615513.

gnomAD v4.1: 23 of 1,614,116 alleles (0.0014%); highest among the groups gnomAD compares: Non-Finnish European, 0.0019%; no homozygotes.

Submission:

Labcorp Genetics (formerly Invitae), Labcorp
Classification: Uncertain significance for Activated PI3K-delta syndrome. Last evaluated: 2025-07-16. Review status: criteria provided, single submitter. Criteria: Invitae Variant Classification Sherloc (09022015). Collection method: clinical testing. Allele origin: germline.
Comment: This sequence change replaces aspartic acid, which is acidic and polar, with asparagine, which is neutral and polar, at codon 6 of the PIK3CD protein (p.Asp6Asn). This variant is not present in population databases (gnomAD no frequency). This variant has not been reported in the literature in individuals affected with PIK3CD-related conditions. An algorithm developed to predict the effect of missense changes on protein structure and function (PolyPhen-2) suggests that this variant is likely to be tolerated. In summary, the available evidence is currently insufficient to determine the role of this variant in disease. Therefore, it has been classified as a Variant of Uncertain Significance.

NM_005026.5(PIK3CD):c.16G>A (p.Asp6Asn)

Gene: PIK3CD (phosphatidylinositol-4,5-bisphosphate 3-kinase catalytic subunit delta; plus strand). Cytogenetic location: 1p36.22.
Variant type: single nucleotide variant.
Coding change: c.16G>A on transcript NM_005026.5 (MANE Select); coding-DNA position 16, G replaced by A.
Protein change: p.Asp6Asn; replaces aspartic acid 6 with asparagine.
Molecular consequence: missense variant.
Genome position (GRCh38, 1-based): chr1:9,710,471, G>A. VCF-style: chr1-9710471-G-A. GRCh37 (hg19) VCF-style: chr1-9770529-G-A.
Other names: c.16G>A, p.Asp6Asn (NM_001350234.2, NM_001350235.1, NM_001437546.1 and 3 more transcripts); short protein forms D6N.
Identifiers: ClinVar variation 4693656 (VCV004693656.1).